The following is an entry in ClinVar:

ClinVar aggregate classification (germline): Uncertain significance (1 of 4 stars; one submission).

Conditions:
Aortic aneurysm, familial thoracic 4 (AAT4). Also called: AORTIC ANEURYSM/AORTIC DISSECTION AND PATENT DUCTUS ARTERIOSUS. Identifiers: MedGen C1851504, MONDO:0007568, OMIM 132900.

Submission:

Labcorp Genetics (formerly Invitae), Labcorp
Classification: Uncertain significance for Aortic aneurysm, familial thoracic 4. Last evaluated: 2025-04-28. Review status: criteria provided, single submitter. Criteria: Invitae Variant Classification Sherloc (09022015). Collection method: clinical testing. Allele origin: germline.
Comment: This sequence change replaces leucine, which is neutral and non-polar, with proline, which is neutral and non-polar, at codon 1587 of the MYH11 protein (p.Leu1587Pro). This variant is not present in population databases (gnomAD no frequency). This variant has not been reported in the literature in individuals affected with MYH11-related conditions. Invitae Evidence Modeling of protein sequence and biophysical properties (such as structural, functional, and spatial information, amino acid conservation, physicochemical variation, residue mobility, and thermodynamic stability) indicates that this missense variant is not expected to disrupt MYH11 protein function with a negative predictive value of 95%. In summary, the available evidence is currently insufficient to determine the role of this variant in disease. Therefore, it has been classified as a Variant of Uncertain Significance.

NM_002474.3(MYH11):c.4739T>C (p.Leu1580Pro)

Genes: MYH11 (myosin heavy chain 11; minus strand), NDE1 (nudE neurodevelopment protein 1; plus strand). Cytogenetic location: 16p13.11.
Variant type: single nucleotide variant.
Coding change: c.4739T>C on transcript NM_002474.3 (MANE Select); coding-DNA position 4739, T replaced by C.
Protein change: p.Leu1580Pro; replaces leucine 1580 with proline.
Molecular consequence: missense variant. On other transcripts: intron variant (2).
Genome position (GRCh38, 1-based): chr16:15,720,891, A>G on the plus strand (T>C on the coding strand, the complement: MYH11 is on the minus strand). VCF-style: chr16-15720891-A-G. GRCh37 (hg19) VCF-style: chr16-15814748-A-G.
Other names: c.4760T>C, p.Leu1587Pro (NM_001040113.2, NM_001040114.2); c.4739T>C, p.Leu1580Pro (NM_022844.3); c.948-3300A>G (NM_001143979.2, NM_017668.3); short protein forms L1587P, L1580P.
Identifiers: ClinVar variation 4745868 (VCV004745868.1).